The following is an entry in ClinVar:

ClinVar aggregate classification (germline): Conflicting classifications of pathogenicity. Review status: criteria provided, conflicting classifications (1 of 4 stars). 2 submissions from 2 submitters: Likely pathogenic (1); Uncertain significance (1). Last evaluated 2019-09-19.

Conditions:
Hypertrophic cardiomyopathy. Also called: HYPERTROPHIC MYOCARDIOPATHY. Identifiers: Orphanet 217569, MedGen C0007194, MeSH D002312, MONDO:0005045, HP:0001639.

Submissions (2):

Labcorp Genetics (formerly Invitae), Labcorp
Classification: Uncertain significance for Hypertrophic cardiomyopathy. Last evaluated: 2019-09-19. Review status: criteria provided, single submitter. Criteria: Invitae Variant Classification Sherloc (09022015). Collection method: clinical testing. Allele origin: germline.
Comment: This sequence change replaces lysine with threonine at codon 248 of the TPM1 protein (p.Lys248Thr). The lysine residue is highly conserved and there is a moderate physicochemical difference between lysine and threonine. This variant is not present in population databases (ExAC no frequency). This variant has not been reported in the literature in individuals with TPM1-related conditions. ClinVar contains an entry for this variant (Variation ID: 181687). Algorithms developed to predict the effect of missense changes on protein structure and function are either unavailable or do not agree on the potential impact of this missense change (SIFT: "Tolerated"; PolyPhen-2: "Probably Damaging"; Align-GVGD: "Class C0"). In summary, the available evidence is currently insufficient to determine the role of this variant in disease. Therefore, it has been classified as a Variant of Uncertain Significance.

GeneDx
Classification: Likely pathogenic. Last evaluated: 2011-08-09. Review status: criteria provided, single submitter. Criteria: GeneDx Variant Classification (06012015). Collection method: clinical testing. Allele origin: germline. Affected: yes.
Comment: The Lys248Thr variant in the TPM1 gene has not been reported previously as a disease-causing mutation nor as a benign polymorphism, to our knowledge. Lys248Thr is a semi-conservative amino acid substitution of positively charged Lysine residue with a neutral Threonine residue at a position that is highly conserved throughout evolution. In silico analysis predicts Lys248Thr to be disease-causing and probably damaging to the protein structure/function. Furthermore, the Lys248Thr variant was not identified in up to 200 alleles from control individuals of Caucasian ancestry tested at GeneDx, indicating it is not a common benign polymorphism in this population. In summary, while the Lys248Thr variant in the TPM1 gene is a good candidate for a disease-causing mutation, we cannot unequivocally conclude whether this is a disease-causing mutation or a rare benign variant. The variant is found in DCM panel(s).

NM_001018005.2(TPM1):c.743A>C (p.Lys248Thr)

Gene: TPM1 (tropomyosin 1; plus strand). Cytogenetic location: 15q22.2.
Variant type: single nucleotide variant.
Coding change: c.743A>C on transcript NM_001018005.2 (MANE Select); coding-DNA position 743, A replaced by C.
Protein change: p.Lys248Thr; replaces lysine 248 with threonine.
Molecular consequence: missense variant.
Genome position (GRCh38, 1-based): chr15:63,062,616, A>C. VCF-style: chr15-63062616-A-C. GRCh37 (hg19) VCF-style: chr15-63354815-A-C.
Other names: p.K248T:AAA>ACA; c.743A>C, p.Lys248Thr (NM_000366.6, NM_001018004.2, NM_001018006.2 and 6 more transcripts); c.635A>C, p.Lys212Thr (NM_001018008.2, NM_001301289.2, NM_001330344.2 and 5 more transcripts); c.869A>C, p.Lys290Thr (NM_001365778.1); short protein forms K248T, K290T, K212T.
Identifiers: ClinVar variation 181687 (VCV000181687.11), dbSNP rs730881160, ClinGen allele CA019332.
Genomic context (GRCh38, chr15:63,062,616, plus strand): 5'-ACTCAAATAAATCATTACAGGCTGAGACTCGGGCTGAGTTTGCGGAGAGGTCAGTAACTA[A>C]ATTGGAGAAAAGCATTGATGACTTAGAAGGTAAGATCTTAAGTAGTGTTTTTAGTTTAAT-3'
Protein context (NP_001018005.1, residues 238-258): RAEFAERSVT[Lys248Thr]LEKSIDDLED